The following is an entry in ClinVar:

NM_001384474.1(LOXHD1):c.4212+1G>A

Gene: LOXHD1 (lipoxygenase homology PLAT domains 1; minus strand). Cytogenetic location: 18q21.1.
Variant type: single nucleotide variant.
Coding change: c.4212+1G>A on transcript NM_001384474.1 (MANE Select); the canonical splice donor site of the intron after coding-DNA position 4212, G replaced by A.
Molecular consequence: splice donor variant.
Genome position (GRCh38, 1-based): chr18:46,534,334, C>T on the plus strand (G>A on the coding strand, the complement: LOXHD1 is on the minus strand). VCF-style: chr18-46534334-C-T. GRCh37 (hg19) VCF-style: chr18-44114297-C-T.
Other names: c.879+1G>A (NM_001145472.3); c.591+1G>A (NM_001308013.2); c.4212+1G>A (NM_144612.7).
Identifiers: ClinVar variation 643628 (VCV000643628.17), dbSNP rs889110926, ClinGen allele CA299803972.

ClinVar aggregate classification (germline): Pathogenic/Likely pathogenic. Review status: criteria provided, multiple submitters, no conflicts (2 of 4 stars). 7 submissions from 7 submitters: Pathogenic (5); Likely pathogenic (2). Last evaluated 2025-11-06.

Conditions:
LOXHD1-related disorder. Also called: LOXHD1-related condition.
Autosomal recessive nonsyndromic hearing loss 77. Identifiers: Orphanet 90636, MedGen C2746083, MONDO:0013119, OMIM 613079.

Allele frequency attached by ClinVar (database versions not stated): gnomAD 0.00002 and 0.00003; TOPMed 0.00003; gnomAD exomes 0.00004.
gnomAD v4.1: 37 of 1,549,080 alleles (0.0024%); highest among the groups gnomAD compares: East Asian, 0.071%; no homozygotes.

Submissions (7):

Natera, Inc.
Classification: Pathogenic for Autosomal recessive deafness type 77. Last evaluated: 2025-11-06. Review status: criteria provided, single submitter. Criteria: Natera Variant Classification Schema (03/2026). Collection method: clinical testing. Allele origin: germline.
Comment: The c.4212+1G>A variant in LOXHD1 is a canonical splice donor site variant predicted to affect pre-mRNA splicing, which may result in an abnormal transcript and altered protein product. This variant may result in a truncated or dysfunctional protein product. This variant is rare in the general population with a frequency below the threshold expected for the associated phenotype(s). This variant has been observed in one or more individuals affected with the associated recessive disease, as either homozygous or compound heterozygous with a second variant (PMID: 31547530, 33753533). This variant has been observed to segregate in affected family members (PMID: 33753533). Functional studies show that this variant may disrupt protein function (PMID: 33753533). Given the available evidence, this variant is classified as Pathogenic.

Blueprint Genetics
Classification: Pathogenic for LOXHD1-related disorders. Last evaluated: 2024-06-27. Review status: criteria provided, single submitter. Criteria: ACMG Guidelines, 2015. Collection method: clinical testing. Allele origin: germline. Affected: yes. Observed: 3 variant alleles.

Labcorp Genetics (formerly Invitae), Labcorp
Classification: Pathogenic. Last evaluated: 2024-06-17. Review status: criteria provided, single submitter. Criteria: Invitae Variant Classification Sherloc (09022015). Collection method: clinical testing. Allele origin: germline.
Comment: This sequence change affects a donor splice site in intron 27 of the LOXHD1 gene. It is expected to disrupt RNA splicing. Variants that disrupt the donor or acceptor splice site typically lead to a loss of protein function (PMID: 16199547), and loss-of-function variants in LOXHD1 are known to be pathogenic (PMID: 19732867, 21465660, 25792669). This variant is present in population databases (no rsID available, gnomAD 0.03%). Disruption of this splice site has been observed in individual(s) with hearing loss (PMID: 25792669, 26346818, 26973026). It has also been observed to segregate with disease in related individuals. This variant is also known as NM_001145472:c.879+1G>A. ClinVar contains an entry for this variant (Variation ID: 643628). Algorithms developed to predict the effect of sequence changes on RNA splicing suggest that this variant may disrupt the consensus splice site. For these reasons, this variant has been classified as Pathogenic.

Fulgent Genetics
Classification: Likely pathogenic for Autosomal recessive nonsyndromic hearing loss 77. Last evaluated: 2024-04-15. Review status: criteria provided, single submitter. Criteria: ACMG Guidelines, 2015. Collection method: clinical testing. Allele origin: germline.

3billion
Classification: Pathogenic for Autosomal recessive nonsyndromic hearing loss 77. Last evaluated: 2024-01-07. Review status: criteria provided, single submitter. Criteria: ACMG Guidelines, 2015. Collection method: clinical testing. Allele origin: germline. Affected: yes.
Comment: The variant is observed at an extremely low frequency in the gnomAD v2.1.1 dataset (total allele frequency: 0.004%). Predicted Consequence/Location: Canonical splice site: predicted to alter splicing and result in a loss or disruption of normal protein function. Multiple pathogenic loss-of-function variants are reported downstream of the variant. The variant has been reported at least twice as pathogenic with clinical assertions and evidence for the classification (ClinVar ID: VCV000643628 /PMID: 25792669 /3billion dataset). Therefore, this variant is classified as Pathogenic according to the recommendation of ACMG/AMP guideline.

Revvity Omics, Revvity
Classification: Pathogenic for Autosomal recessive nonsyndromic hearing loss 77. Last evaluated: 2022-09-09. Review status: criteria provided, single submitter. Criteria: ACMG Guidelines, 2015. Collection method: clinical testing. Allele origin: germline.

Baylor Genetics
Classification: Likely pathogenic for Autosomal recessive nonsyndromic hearing loss 77. Last evaluated: 2021-02-25. Review status: criteria provided, single submitter. Criteria: ACMG Guidelines, 2015. Collection method: clinical testing. Allele origin: unknown.

Literature cited by the submitters: PubMed 31547530 (cited by Natera, Inc.); PubMed 33753533 (cited by Natera, Inc.); PubMed 16199547 (cited by Labcorp Genetics (formerly Invitae), Labcorp); PubMed 19732867 (cited by Labcorp Genetics (formerly Invitae), Labcorp); PubMed 21465660 (cited by Labcorp Genetics (formerly Invitae), Labcorp); PubMed 25792669 (cited by Labcorp Genetics (formerly Invitae), Labcorp and 3billion); PubMed 26346818 (cited by Labcorp Genetics (formerly Invitae), Labcorp); PubMed 26973026 (cited by Labcorp Genetics (formerly Invitae), Labcorp).